The following is an entry in ClinVar:

NM_000512.5(GALNS):c.245-11C>T

Gene: GALNS (galactosamine (N-acetyl)-6-sulfatase; minus strand). Cytogenetic location: 16q24.3.
Variant type: single nucleotide variant.
Coding change: c.245-11C>T on transcript NM_000512.5 (MANE Select); 11 bases into the intron before coding-DNA position 245, C replaced by T.
Molecular consequence: intron variant.
Genome position (GRCh38, 1-based): chr16:88,841,982, G>A on the plus strand (C>T on the coding strand, the complement: GALNS is on the minus strand). VCF-style: chr16-88841982-G-A. GRCh37 (hg19) VCF-style: chr16-88908390-G-A.
Other names: c.-311-11C>T (NM_001323543.2); c.263-11C>T (NM_001323544.2).
Identifiers: ClinVar variation 1351567 (VCV001351567.5), dbSNP rs552476248, ClinGen allele CA8235231.

ClinVar aggregate classification (germline): Uncertain significance (1 of 4 stars; one submission).

Conditions:
Mucopolysaccharidosis, MPS-IV-A (MPS4A). Also called: Morquio syndrome A, mild; MORQUIO SYNDROME A; GALACTOSAMINE-6-SULFATASE DEFICIENCY; GALNS DEFICIENCY; MORQUIO A DISEASE; MPS IVA. Identifiers: Orphanet 309297, Orphanet 582, MedGen C0086651, MONDO:0009659, OMIM 253000.

Allele frequency attached by ClinVar (database versions not stated): gnomAD exomes 0.00001 and 0.00003; gnomAD 0.00002 and 0.00004; TOPMed 0.00002; ExAC 0.00004; 1000 Genomes Project 0.00040; 1000 Genomes Project 30x 0.00047.
gnomAD v4.1: 16 of 1,608,946 alleles (0.00099%); highest among the groups gnomAD compares: African/African-American, 0.012%; no homozygotes.

Submission:

Labcorp Genetics (formerly Invitae), Labcorp
Classification: Uncertain significance for Mucopolysaccharidosis, MPS-IV-A. Last evaluated: 2022-01-14. Review status: criteria provided, single submitter. Criteria: Invitae Variant Classification Sherloc (09022015). Collection method: clinical testing. Allele origin: germline.
Comment: This sequence change falls in intron 2 of the GALNS gene. It does not directly change the encoded amino acid sequence of the GALNS protein. This variant is present in population databases (rs552476248, gnomAD 0.02%). This variant has not been reported in the literature in individuals affected with GALNS-related conditions. Algorithms developed to predict the effect of sequence changes on RNA splicing suggest that this variant is not likely to affect RNA splicing. This variant disrupts the c.245-11C nucleotide in the GALNS gene. Other variant(s) that disrupt this nucleotide have been determined to be pathogenic (PMID: 25545067). This suggests that this nucleotide is clinically significant, and that variants that disrupt this position are likely to be disease-causing. In summary, the available evidence is currently insufficient to determine the role of this variant in disease. Therefore, it has been classified as a Variant of Uncertain Significance.

Literature cited by the submitters: PubMed 25545067.